The following is an entry in ClinVar:

NM_144997.7(FLCN):c.626A>G (p.Glu209Gly)

Gene: FLCN (folliculin; minus strand). Cytogenetic location: 17p11.2.
Variant type: single nucleotide variant.
Coding change: c.626A>G on transcript NM_144997.7 (MANE Select); coding-DNA position 626, A replaced by G.
Protein change: p.Glu209Gly; replaces glutamic acid 209 with glycine.
Molecular consequence: missense variant.
Genome position (GRCh38, 1-based): chr17:17,222,654, T>C on the plus strand (A>G on the coding strand, the complement: FLCN is on the minus strand). VCF-style: chr17-17222654-T-C. GRCh37 (hg19) VCF-style: chr17-17125968-T-C.
Other names: c.680A>G, p.Glu227Gly (NM_001353229.2); c.626A>G, p.Glu209Gly (NM_001353230.2, NM_001353231.2, NM_144606.7); short protein forms E209G, E227G.
Identifiers: ClinVar variation 946269 (VCV000946269.7), dbSNP rs2047131274, ClinGen allele CA398534139.

ClinVar aggregate classification (germline): Uncertain significance (1 of 4 stars; one submission).

Conditions:
Birt-Hogg-Dube syndrome. Also called: Birt Hogg Dubé syndrome. Identifiers: Orphanet 122, MedGen C0346010, MONDO:0800444.

Submission:

Labcorp Genetics (formerly Invitae), Labcorp
Classification: Uncertain significance for Birt-Hogg-Dube syndrome. Last evaluated: 2019-07-23. Review status: criteria provided, single submitter. Criteria: Invitae Variant Classification Sherloc (09022015). Collection method: clinical testing. Allele origin: germline.
Comment: This sequence change replaces glutamic acid with glycine at codon 209 of the FLCN protein (p.Glu209Gly). The glutamic acid residue is moderately conserved and there is a moderate physicochemical difference between glutamic acid and glycine. This variant is not present in population databases (ExAC no frequency). This variant has not been reported in the literature in individuals with FLCN-related conditions. Algorithms developed to predict the effect of missense changes on protein structure and function (SIFT, PolyPhen-2, Align-GVGD) all suggest that this variant is likely to be tolerated, but these predictions have not been confirmed by published functional studies and their clinical significance is uncertain. In summary, the available evidence is currently insufficient to determine the role of this variant in disease. Therefore, it has been classified as a Variant of Uncertain Significance.